The following is an entry in ClinVar:

NM_178857.6(RP1L1):c.2174G>T (p.Gly725Val)

Gene: RP1L1 (RP1 like 1). Cytogenetic location: 8p23.1.
Variant type: single nucleotide variant.
Coding change: c.2174G>T on transcript NM_178857.6 (MANE Select); coding-DNA position 2174, G replaced by T.
Protein change: p.Gly725Val; replaces glycine 725 with valine.
Molecular consequence: missense variant.
Genome position (GRCh38, 1-based): chr8:10,611,924, C>A on the plus strand (G>T on the coding strand, the complement: RP1L1 is on the minus strand). VCF-style: chr8-10611924-C-A. GRCh37 (hg19) VCF-style: chr8-10469434-C-A.
Other names: short protein forms G725V.
Identifiers: ClinVar variation 361355 (VCV000361355.9), dbSNP rs529460241, ClinGen allele CA4624921.

ClinVar aggregate classification (germline): Conflicting classifications of pathogenicity. Review status: criteria provided, conflicting classifications (1 of 4 stars). 4 submissions from 4 submitters: Uncertain significance (3); Benign (1). Last evaluated 2024-12-04.

Conditions:
Inborn genetic diseases. Identifiers: MedGen C0950123, MeSH D030342.
Occult macular dystrophy (OCMD). Also called: OCCULT MACULAR DYSTROPHY, SUSCEPTIBILITY TO; OMD. Identifiers: Orphanet 247834, MedGen C3150833, MONDO:0013316, OMIM 613587, HP:0030636.
RP1L1-related disorder. Also called: RP1L1-related condition.

Allele frequency attached by ClinVar (database versions not stated): gnomAD 0.00006 and 0.00007; TOPMed 0.00007.
gnomAD v4.1: 162 of 1,613,750 alleles (0.01%); highest among the groups gnomAD compares: Non-Finnish European, 0.012%; no homozygotes.

Submissions (4):

PreventionGenetics, part of Exact Sciences
Classification: Uncertain significance for RP1L1-related condition. Last evaluated: 2024-12-04. Review status: criteria provided, single submitter. Criteria: ACMG Guidelines, 2015. Collection method: clinical testing. Allele origin: germline.
Comment: The RP1L1 c.2174G>T variant is predicted to result in the amino acid substitution p.Gly725Val. To our knowledge, this variant has not been reported in the literature. This variant is reported in 0.033% of alleles in individuals of European (Non-Finnish) descent in gnomAD. At this time, the clinical significance of this variant is uncertain due to the absence of conclusive functional and genetic evidence.

Blueprint Genetics
Classification: Uncertain significance. Last evaluated: 2024-08-30. Review status: criteria provided, single submitter. Criteria: ACMG Guidelines, 2015. Collection method: clinical testing. Allele origin: germline.

Ambry Genetics
Classification: Uncertain significance for Inborn genetic diseases. Last evaluated: 2021-12-02. Review status: criteria provided, single submitter. Criteria: Ambry Variant Classification Scheme 2023. Collection method: clinical testing. Allele origin: germline.

Illumina Laboratory Services, Illumina
Classification: Benign for Occult macular dystrophy. Last evaluated: 2018-01-13. Review status: criteria provided, single submitter. Criteria: ICSL Variant Classification Criteria 13 December 2019. Collection method: clinical testing. Allele origin: germline.
Comment: This variant was observed in the ICSL laboratory as part of a predisposition screen in an ostensibly healthy population. It had not been previously curated by ICSL or reported in the Human Gene Mutation Database (HGMD: prior to June 1st, 2018), and was therefore a candidate for classification through an automated scoring system. Utilizing variant allele frequency, disease prevalence and penetrance estimates, and inheritance mode, an automated score was calculated to assess if this variant is too frequent to cause the disease. Based on the score and internal cut-off values, a variant classified as benign is not then subjected to further curation. The score for this variant resulted in a classification of benign for this disease.